The following is an entry in ClinVar:

NM_005219.5(DIAPH1):c.2147C>T (p.Pro716Leu)

Gene: DIAPH1 (diaphanous related formin 1; minus strand). Cytogenetic location: 5q31.3.
Variant type: single nucleotide variant.
Coding change: c.2147C>T on transcript NM_005219.5 (MANE Select); coding-DNA position 2147, C replaced by T.
Protein change: p.Pro716Leu; replaces proline 716 with leucine.
Molecular consequence: missense variant.
Genome position (GRCh38, 1-based): chr5:141,573,703, G>A on the plus strand (C>T on the coding strand, the complement: DIAPH1 is on the minus strand). VCF-style: chr5-141573703-G-A. GRCh37 (hg19) VCF-style: chr5-140953270-G-A.
Other names: c.2120C>T, p.Pro707Leu (NM_001079812.3); c.2147C>T, p.Pro716Leu (NM_001314007.2); short protein forms P707L, P716L.
Identifiers: ClinVar variation 2941768 (VCV002941768.3), dbSNP rs771694707, ClinGen allele CA3479147.

ClinVar aggregate classification (germline): Uncertain significance (1 of 4 stars; one submission).

Conditions:
Progressive microcephaly-seizures-cortical blindness-developmental delay syndrome. Also called: Seizures, cortical blindness, and microcephaly syndrome. Identifiers: Orphanet 477814, MedGen C5567650, MONDO:0014714, OMIM 616632.
Autosomal dominant nonsyndromic hearing loss 1. Also called: KONIGSMARK SYNDROME; DEAFNESS, AUTOSOMAL DOMINANT 1, WITH OR WITHOUT THROMBOCYTOPENIA. Identifiers: Orphanet 90635, MedGen C1852282, MONDO:0007424, OMIM 124900.

Allele frequency attached by ClinVar (database versions not stated): ExAC 0.00001.

Submission:

Labcorp Genetics (formerly Invitae), Labcorp
Classification: Uncertain significance for Progressive microcephaly-seizures-cortical blindness-developmental delay syndrome; Autosomal dominant nonsyndromic hearing loss 1. Last evaluated: 2023-02-22. Review status: criteria provided, single submitter. Criteria: Invitae Variant Classification Sherloc (09022015). Collection method: clinical testing. Allele origin: germline.
Comment: This sequence change replaces proline, which is neutral and non-polar, with leucine, which is neutral and non-polar, at codon 716 of the DIAPH1 protein (p.Pro716Leu). This variant is present in population databases (rs771694707, gnomAD 0.003%). This variant has not been reported in the literature in individuals affected with DIAPH1-related conditions. Algorithms developed to predict the effect of missense changes on protein structure and function output the following: SIFT: "Not Available"; PolyPhen-2: "Not Available"; Align-GVGD: "Not Available". The leucine amino acid residue is found in multiple mammalian species, which suggests that this missense change does not adversely affect protein function. In summary, the available evidence is currently insufficient to determine the role of this variant in disease. Therefore, it has been classified as a Variant of Uncertain Significance.